The following is an entry in ClinVar:

NM_000083.3(CLCN1):c.1315G>T (p.Asp439Tyr)

Gene: CLCN1 (chloride voltage-gated channel 1; plus strand). Cytogenetic location: 7q34.
Variant type: single nucleotide variant.
Coding change: c.1315G>T on transcript NM_000083.3 (MANE Select); coding-DNA position 1315, G replaced by T.
Protein change: p.Asp439Tyr; replaces aspartic acid 439 with tyrosine.
Molecular consequence: missense variant.
Genome position (GRCh38, 1-based): chr7:143,332,787, G>T. VCF-style: chr7-143332787-G-T. GRCh37 (hg19) VCF-style: chr7-143029880-G-T.
Other names: short protein forms D439Y.
Identifiers: ClinVar variation 3342775 (VCV003342775.2).

ClinVar aggregate classification (germline): Conflicting classifications of pathogenicity. Review status: criteria provided, conflicting classifications (1 of 4 stars). 2 submissions from 2 submitters: Likely pathogenic (1); Uncertain significance (1). Last evaluated 2025-07-21.

gnomAD v4.1: 4 of 1,614,090 alleles (0.00025%); highest among the groups gnomAD compares: Non-Finnish European, 0.00034%; no homozygotes.

Submissions (2):

Women's Health and Genetics/Laboratory Corporation of America, LabCorp
Classification: Uncertain significance. Last evaluated: 2025-07-21. Review status: criteria provided, single submitter. Criteria: LabCorp Variant Classification Summary - May 2015. Collection method: clinical testing. Allele origin: germline.
Comment: Variant summary: CLCN1 c.1315G>T (p.Asp439Tyr) results in a non-conservative amino acid change in the encoded protein sequence. Algorithms developed to predict the effect of missense changes on protein structure and function all suggest that this variant is likely to be disruptive. The variant allele was found at a frequency of 8e-06 in 251462 control chromosomes. The available data on variant occurrences in the general population are insufficient to allow any conclusion about variant significance. c.1315G>T has been observed in at least one compound heterozygous individual affected with Myotonia congenita (e.g. Jacobsen_2023). These data do not allow any conclusion about variant significance. To our knowledge, no experimental evidence demonstrating an impact on protein function has been reported. The following publication has been ascertained in the context of this evaluation (PMID: 38270354). ClinVar contains an entry for this variant (Variation ID: 3342775). Based on the evidence outlined above, the variant was classified as uncertain significance.

GeneDx
Classification: Likely pathogenic. Last evaluated: 2024-01-24. Review status: criteria provided, single submitter. Criteria: GeneDx Variant Classification Process June 2021. Collection method: clinical testing. Allele origin: germline. Affected: yes.
Comment: Not observed at significant frequency in large population cohorts (gnomAD); In silico analysis supports that this missense variant has a deleterious effect on protein structure/function; Has not been previously published as pathogenic or benign to our knowledge

Literature cited by the submitters: PubMed 38270354 (cited by Women's Health and Genetics/Laboratory Corporation of America, LabCorp).